The following is an entry in ClinVar:

ClinVar aggregate classification (germline): Uncertain significance (1 of 4 stars; one submission).

Allele frequency attached by ClinVar (database versions not stated): gnomAD exomes below 0.00001 and 0.00001.
gnomAD v4.1: 4 of 1,613,198 alleles (0.00025%); highest among the groups gnomAD compares: South Asian, 0.0011%; no homozygotes.

Submission:

Labcorp Genetics (formerly Invitae), Labcorp
Classification: Uncertain significance. Last evaluated: 2025-02-17. Review status: criteria provided, single submitter. Criteria: Invitae Variant Classification Sherloc (09022015). Collection method: clinical testing. Allele origin: germline.
Comment: This sequence change replaces isoleucine, which is neutral and non-polar, with threonine, which is neutral and polar, at codon 1114 of the TRIOBP protein (p.Ile1114Thr). This variant is present in population databases (no rsID available, gnomAD 0.0009%). This variant has not been reported in the literature in individuals affected with TRIOBP-related conditions. ClinVar contains an entry for this variant (Variation ID: 1500190). An algorithm developed to predict the effect of missense changes on protein structure and function (PolyPhen-2) suggests that this variant is likely to be disruptive. In summary, the available evidence is currently insufficient to determine the role of this variant in disease. Therefore, it has been classified as a Variant of Uncertain Significance.

NM_001039141.3(TRIOBP):c.3341T>C (p.Ile1114Thr)

Gene: TRIOBP (TRIO and F-actin binding protein; plus strand). Cytogenetic location: 22q13.1.
Variant type: single nucleotide variant.
Coding change: c.3341T>C on transcript NM_001039141.3 (MANE Select); coding-DNA position 3341, T replaced by C.
Protein change: p.Ile1114Thr; replaces isoleucine 1114 with threonine.
Molecular consequence: missense variant.
Genome position (GRCh38, 1-based): chr22:37,725,897, T>C. VCF-style: chr22-37725897-T-C. GRCh37 (hg19) VCF-style: chr22-38121904-T-C.
Other names: short protein forms I1114T.
Identifiers: ClinVar variation 1500190 (VCV001500190.8), dbSNP rs1276379492, ClinGen allele CA411479034.